The following is an entry in ClinVar:

NM_001273.5(CHD4):c.4628C>T (p.Pro1543Leu)

Genes: CHD4 (chromodomain helicase DNA binding protein 4; minus strand), CHD4-AS1 (CHD4 antisense RNA 1; plus strand). Cytogenetic location: 12p13.31.
Variant type: single nucleotide variant.
Coding change: c.4628C>T on transcript NM_001273.5 (MANE Select); coding-DNA position 4628, C replaced by T.
Protein change: p.Pro1543Leu; replaces proline 1543 with leucine.
Molecular consequence: missense variant.
Genome position (GRCh38, 1-based): chr12:6,581,702, G>A on the plus strand (C>T on the coding strand, the complement: CHD4 is on the minus strand). VCF-style: chr12-6581702-G-A. GRCh37 (hg19) VCF-style: chr12-6690868-G-A.
Other names: c.4607C>T, p.Pro1536Leu (NM_001297553.2); c.4589C>T, p.Pro1530Leu (NM_001363606.2); short protein forms P1530L, P1536L, P1543L.
Identifiers: ClinVar variation 3361766 (VCV003361766.1).

ClinVar aggregate classification (germline): Uncertain significance (1 of 4 stars; one submission).

gnomAD v4.1: 3 of 1,608,428 alleles (0.00019%); highest among the groups gnomAD compares: African/African-American, 0.0013%; no homozygotes.

Submission:

GeneDx
Classification: Uncertain significance. Last evaluated: 2023-07-26. Review status: criteria provided, single submitter. Criteria: GeneDx Variant Classification Process June 2021. Collection method: clinical testing. Allele origin: germline. Affected: yes.
Comment: Not observed at significant frequency in large population cohorts (gnomAD); In silico analysis supports that this missense variant has a deleterious effect on protein structure/function; Has not been previously published as pathogenic or benign to our knowledge